The following is an entry in ClinVar:

NM_002905.5(RDH5):c.776C>T (p.Pro259Leu)

Genes: BLOC1S1-RDH5 (BLOC1S1-RDH5 readthrough; plus strand), CD63 (CD63 molecule; minus strand), RDH5 (retinol dehydrogenase 5; plus strand). Cytogenetic location: 12q13.2.
Variant type: single nucleotide variant.
Coding change: c.776C>T on transcript NM_002905.5 (MANE Select); coding-DNA position 776, C replaced by T.
Protein change: p.Pro259Leu; replaces proline 259 with leucine.
Molecular consequence: missense variant. On other transcripts: non-coding transcript variant (1).
Genome position (GRCh38, 1-based): chr12:55,724,364, C>T. VCF-style: chr12-55724364-C-T. GRCh37 (hg19) VCF-style: chr12-56118148-C-T.
Other names: c.776C>T, p.Pro259Leu (NM_001199771.3); short protein forms P259L.
Identifiers: ClinVar variation 309815 (VCV000309815.14), dbSNP rs748586229, ClinGen allele CA6616956.
Genomic context (GRCh38, chr12:55,724,364, plus strand): 5'-CCACCTATGGGGCTGCAGACCTGAAAATGCAACAGCGCATCATGAACCTGATCTGTGACC[C>T]GGACCTAACCAAGGTGAGCCGATGCCTGGAGCATGCCCTGACTGCTCGACACCCCCGAAC-3'
Protein context (NP_002896.2, residues 249-269): QQRIMNLICD[Pro259Leu]DLTKVSRCLE

ClinVar aggregate classification (germline): Uncertain significance. Review status: criteria provided, multiple submitters, no conflicts (2 of 4 stars). 4 submissions from 4 submitters: Uncertain significance (4). Last evaluated 2025-11-24.

Conditions:
RDH5-related disorder. Also called: RDH5-related condition.
Pigmentary retinal dystrophy. Also called: Fundus albipunctatus. Identifiers: Orphanet 227796, Orphanet 52427, MedGen C0311338, MONDO:0007639, OMIM 136880, HP:0030642.

Allele frequency attached by ClinVar (database versions not stated): gnomAD 0.00001; TOPMed 0.00001; ExAC 0.00002; gnomAD exomes 0.00002.
gnomAD v4.1: 17 of 1,614,080 alleles (0.0011%); highest among the groups gnomAD compares: Admixed American, 0.0067%; no homozygotes.

Submissions (4):

Labcorp Genetics (formerly Invitae), Labcorp
Classification: Uncertain significance. Last evaluated: 2025-11-24. Review status: criteria provided, single submitter. Criteria: Invitae Variant Classification Sherloc (09022015). Collection method: clinical testing. Allele origin: germline.
Comment: This sequence change replaces proline, which is neutral and non-polar, with leucine, which is neutral and non-polar, at codon 259 of the RDH5 protein (p.Pro259Leu). This variant is present in population databases (rs748586229, gnomAD 0.009%). This missense change has been observed in individual(s) with RDH5-related conditions (PMID: 29847639). ClinVar contains an entry for this variant (Variation ID: 309815). Invitae Evidence Modeling of protein sequence and biophysical properties (such as structural, functional, and spatial information, amino acid conservation, physicochemical variation, residue mobility, and thermodynamic stability) has been performed for this missense variant. However, the output from this modeling did not meet the statistical confidence thresholds required to predict the impact of this variant on RDH5 protein function. In summary, the available evidence is currently insufficient to determine the role of this variant in disease. Therefore, it has been classified as a Variant of Uncertain Significance.

PreventionGenetics, part of Exact Sciences
Classification: Uncertain significance for RDH5-related condition. Last evaluated: 2025-06-24. Review status: criteria provided, single submitter. Criteria: ACMG Guidelines, 2015. Collection method: clinical testing. Allele origin: germline.
Comment: The RDH5 c.776C>T variant is predicted to result in the amino acid substitution p.Pro259Leu. This variant has been identified along with a nonsense variant in RDH5 in an individual with retinitis pigmentosa (Martin-Merida et al. 2018. PubMed ID: 29847639). This variant is reported in 0.0085% of alleles in individuals of Latino descent in gnomAD. At this time, the clinical significance of this variant is uncertain due to the absence of conclusive functional and genetic evidence.

Blueprint Genetics
Classification: Uncertain significance. Last evaluated: 2024-03-11. Review status: criteria provided, single submitter. Criteria: ACMG Guidelines, 2015. Collection method: clinical testing. Allele origin: germline.

Illumina Laboratory Services, Illumina
Classification: Uncertain significance for Pigmentary retinal dystrophy. Last evaluated: 2018-01-12. Review status: criteria provided, single submitter. Criteria: ICSL Variant Classification Criteria 13 December 2019. Collection method: clinical testing. Allele origin: germline.

Literature cited by the submitters: PubMed 29847639 (cited by Labcorp Genetics (formerly Invitae), Labcorp).